The following is an entry in ClinVar:

NM_001369.3(DNAH5):c.3043A>G (p.Thr1015Ala)

Genes: DNAH5-AS1 (DNAH5 antisense RNA 1; plus strand), DNAH5 (dynein axonemal heavy chain 5; minus strand). Cytogenetic location: 5p15.2.
Variant type: single nucleotide variant.
Coding change: c.3043A>G on transcript NM_001369.3 (MANE Select); coding-DNA position 3043, A replaced by G.
Protein change: p.Thr1015Ala; replaces threonine 1015 with alanine.
Molecular consequence: missense variant.
Genome position (GRCh38, 1-based): chr5:13,883,035, T>C on the plus strand (A>G on the coding strand, the complement: DNAH5 is on the minus strand). VCF-style: chr5-13883035-T-C. GRCh37 (hg19) VCF-style: chr5-13883144-T-C.
Other names: short protein forms T1015A.
Identifiers: ClinVar variation 992009 (VCV000992009.6), dbSNP rs756780275, ClinGen allele CA3204408.

ClinVar aggregate classification (germline): Uncertain significance. Review status: criteria provided, multiple submitters, no conflicts (2 of 4 stars). 3 submissions from 3 submitters: Uncertain significance (2). 1 of the submissions does not count toward it. Last evaluated 2025-05-02.

Conditions:
Primary ciliary dyskinesia. Also called: Ciliary dyskinesia. Identifiers: Orphanet 244, MedGen C0008780, MONDO:0016575, HP:0012265.

Allele frequency attached by ClinVar (database versions not stated): gnomAD exomes below 0.00001; ExAC 0.00001; gnomAD 0.00001; TOPMed 0.00001.
gnomAD v4.1: 18 of 1,614,050 alleles (0.0011%); highest among the groups gnomAD compares: Middle Eastern, 0.049%; no homozygotes.

Submissions (3):

Ambry Genetics
Classification: Uncertain significance for Primary ciliary dyskinesia. Last evaluated: 2025-05-02. Review status: criteria provided, single submitter. Criteria: Ambry Variant Classification Scheme 2023. Collection method: clinical testing. Allele origin: germline.
Comment: The p.T1015A variant (also known as c.3043A>G), located in coding exon 20 of the DNAH5 gene, results from an A to G substitution at nucleotide position 3043. The threonine at codon 1015 is replaced by alanine, an amino acid with similar properties. This amino acid position is conserved. In addition, this alteration is predicted to be tolerated by in silico analysis. Based on the available evidence, the clinical significance of this variant remains unclear.

Labcorp Genetics (formerly Invitae), Labcorp
Classification: Uncertain significance for Primary ciliary dyskinesia. Last evaluated: 2023-12-11. Review status: criteria provided, single submitter. Criteria: Invitae Variant Classification Sherloc (09022015). Collection method: clinical testing. Allele origin: germline.
Comment: This sequence change replaces threonine, which is neutral and polar, with alanine, which is neutral and non-polar, at codon 1015 of the DNAH5 protein (p.Thr1015Ala). This variant is present in population databases (rs756780275, gnomAD 0.002%). This variant has not been reported in the literature in individuals affected with DNAH5-related conditions. ClinVar contains an entry for this variant (Variation ID: 992009). Advanced modeling of protein sequence and biophysical properties (such as structural, functional, and spatial information, amino acid conservation, physicochemical variation, residue mobility, and thermodynamic stability) performed at Invitae indicates that this missense variant is not expected to disrupt DNAH5 protein function with a negative predictive value of 95%. In summary, the available evidence is currently insufficient to determine the role of this variant in disease. Therefore, it has been classified as a Variant of Uncertain Significance.

Natera, Inc.
Classification: Uncertain significance for Primary ciliary dyskinesia. Last evaluated: 2020-08-13. Review status: no assertion criteria provided. Collection method: clinical testing. Allele origin: germline. Not counted in ClinVar's aggregate classification.